The following is an entry in ClinVar:

NM_001164508.2(NEB):c.10613G>T (p.Arg3538Leu)

Gene: NEB (nebulin; minus strand). Cytogenetic location: 2q23.3.
Variant type: single nucleotide variant.
Coding change: c.10613G>T on transcript NM_001164508.2 (MANE Select); coding-DNA position 10613, G replaced by T.
Protein change: p.Arg3538Leu; replaces arginine 3538 with leucine.
Molecular consequence: missense variant.
Genome position (GRCh38, 1-based): chr2:151,619,710, C>A on the plus strand (G>T on the coding strand, the complement: NEB is on the minus strand). VCF-style: chr2-151619710-C-A. GRCh37 (hg19) VCF-style: chr2-152476224-C-A.
Other names: c.10613G>T, p.Arg3538Leu (NM_001164507.2, NM_001271208.2); c.9884G>T, p.Arg3295Leu (NM_004543.5); short protein forms R3295L, R3538L.
Identifiers: ClinVar variation 2063141 (VCV002063141.2), dbSNP rs758348011, ClinGen allele CA57641673.

ClinVar aggregate classification (germline): Uncertain significance. Review status: criteria provided, multiple submitters, no conflicts (2 of 4 stars). 2 submissions from 2 submitters: Uncertain significance (2). Last evaluated 2022-01-01.

Conditions:
Inborn genetic diseases. Identifiers: MedGen C0950123, MeSH D030342.
Nemaline myopathy 2 (NEM2). Also called: Nemaline myopathy 2, autosomal recessive. Identifiers: MedGen C1850569, MONDO:0009725, OMIM 256030.

gnomAD v4.1: 2 of 1,613,672 alleles (0.00012%); highest among the groups gnomAD compares: African/African-American, 0.0027%; no homozygotes.

Submissions (2):

Labcorp Genetics (formerly Invitae), Labcorp
Classification: Uncertain significance for Nemaline myopathy 2. Last evaluated: 2022-01-01. Review status: criteria provided, single submitter. Criteria: Invitae Variant Classification Sherloc (09022015). Collection method: clinical testing. Allele origin: germline.
Comment: This sequence change replaces arginine, which is basic and polar, with leucine, which is neutral and non-polar, at codon 3538 of the NEB protein (p.Arg3538Leu). This variant is not present in population databases (gnomAD no frequency). This variant has not been reported in the literature in individuals affected with NEB-related conditions. Algorithms developed to predict the effect of missense changes on protein structure and function are either unavailable or do not agree on the potential impact of this missense change (SIFT: "Deleterious"; PolyPhen-2: "Not Available"; Align-GVGD: "Class C0"). In summary, the available evidence is currently insufficient to determine the role of this variant in disease. Therefore, it has been classified as a Variant of Uncertain Significance.

Ambry Genetics
Classification: Uncertain significance for Inborn genetic diseases. Last evaluated: 2021-10-20. Review status: criteria provided, single submitter. Criteria: Ambry Variant Classification Scheme 2023. Collection method: clinical testing. Allele origin: germline.